The following is an entry in ClinVar:

ClinVar aggregate classification (germline): Uncertain significance (1 of 4 stars; one submission).

Submission:

Labcorp Genetics (formerly Invitae), Labcorp
Classification: Uncertain significance. Last evaluated: 2025-10-13. Review status: criteria provided, single submitter. Criteria: Invitae Variant Classification Sherloc (09022015). Collection method: clinical testing. Allele origin: germline.
Comment: This sequence change affects codon 13 of the LEMD3 mRNA. It is a 'silent' change, meaning that it does not change the encoded amino acid sequence of the LEMD3 protein. This variant is not present in population databases (gnomAD no frequency). This variant has not been reported in the literature in individuals affected with LEMD3-related conditions. Algorithms developed to predict the effect of sequence changes on RNA splicing suggest that this variant may create or strengthen a splice site. In summary, the available evidence is currently insufficient to determine the role of this variant in disease. Therefore, it has been classified as a Variant of Uncertain Significance.

NM_014319.5(LEMD3):c.39G>T (p.Ser13=)

Gene: LEMD3 (LEM domain containing 3; plus strand). Cytogenetic location: 12q14.3.
Variant type: single nucleotide variant.
Coding change: c.39G>T on transcript NM_014319.5 (MANE Select); coding-DNA position 39, G replaced by T.
Protein change: p.Ser13=; no amino-acid change (serine 13 retained).
Molecular consequence: synonymous variant.
Genome position (GRCh38, 1-based): chr12:65,169,635, G>T. VCF-style: chr12-65169635-G-T. GRCh37 (hg19) VCF-style: chr12-65563415-G-T.
Other names: c.39G>T, p.Ser13= (NM_001167614.2).
Identifiers: ClinVar variation 4728410 (VCV004728410.1).